The following is an entry in ClinVar:

NM_002691.4(POLD1):c.1776-32C>G

Gene: POLD1 (DNA polymerase delta 1, catalytic subunit; plus strand). Cytogenetic location: 19q13.33.
Variant type: single nucleotide variant.
Coding change: c.1776-32C>G on transcript NM_002691.4 (MANE Select); 32 bases into the intron before coding-DNA position 1776, C replaced by G.
Molecular consequence: intron variant. On other transcripts: missense variant (1).
Genome position (GRCh38, 1-based): chr19:50,408,753, C>G. VCF-style: chr19-50408753-C-G. GRCh37 (hg19) VCF-style: chr19-50912010-C-G.
Other names: c.1822C>G, p.Leu608Val (NM_001308632.1); c.1776-32C>G (NM_001256849.1); short protein forms L608V.
Identifiers: ClinVar variation 2631947 (VCV002631947.2), dbSNP rs2038987366, ClinGen allele CA406981870.

ClinVar aggregate classification (germline): Conflicting classifications of pathogenicity. Review status: criteria provided, conflicting classifications (1 of 4 stars). 2 submissions from 2 submitters: Uncertain significance (1); Likely benign (1). Last evaluated 2025-12-29.

Conditions:
POLD1-related disorder. Also called: POLD1-related disorders; POLD1-related condition.

Allele frequency attached by ClinVar (database versions not stated): gnomAD exomes below 0.00001; TOPMed below 0.00001.
gnomAD v4.1: 1 of 1,611,722 alleles (0.000062%); highest among the groups gnomAD compares: Non-Finnish European, 0.000085%; no homozygotes.

Submissions (2):

Center for Genomic Medicine, Rigshospitalet, Copenhagen University Hospital
Classification: Likely benign. Last evaluated: 2025-12-29. Review status: criteria provided, single submitter. Criteria: ACMG Guidelines, 2015. Collection method: clinical testing. Allele origin: germline.
Comment: Classification criteria: BP4

PreventionGenetics, part of Exact Sciences
Classification: Uncertain significance for POLD1-related condition. Last evaluated: 2022-10-10. Review status: criteria provided, single submitter. Criteria: ACMG Guidelines, 2015. Collection method: clinical testing. Allele origin: germline.
Comment: The POLD1 c.1822C>G variant is predicted to result in the amino acid substitution p.Leu608Val. To our knowledge, this variant has not been reported in the literature or in a large population database, indicating this variant is rare. At this time, the clinical significance of this variant is uncertain due to the absence of conclusive functional and genetic evidence.